The following is an entry in ClinVar:

NM_003331.5(TYK2):c.2360G>A (p.Gly787Glu)

Gene: TYK2 (tyrosine kinase 2; minus strand). Cytogenetic location: 19p13.2.
Variant type: single nucleotide variant.
Coding change: c.2360G>A on transcript NM_003331.5 (MANE Select); coding-DNA position 2360, G replaced by A.
Protein change: p.Gly787Glu; replaces glycine 787 with glutamic acid.
Molecular consequence: missense variant.
Genome position (GRCh38, 1-based): chr19:10,357,870, C>T on the plus strand (G>A on the coding strand, the complement: TYK2 is on the minus strand). VCF-style: chr19-10357870-C-T. GRCh37 (hg19) VCF-style: chr19-10468546-C-T.
Other names: c.2360G>A, p.Gly787Glu (NM_001385197.1, NM_001385198.1, NM_001385200.1 and 2 more transcripts); c.2174G>A, p.Gly725Glu (NM_001385199.1); c.2162G>A, p.Gly721Glu (NM_001385201.1); c.2276G>A, p.Gly759Glu (NM_001385202.1); c.2270G>A, p.Gly757Glu (NM_001385205.1); c.2234G>A, p.Gly745Glu (NM_001385206.1); c.2342G>A, p.Gly781Glu (NM_001385207.1); short protein forms G725E, G781E, G745E, G757E, G721E, G759E, G787E.
Identifiers: ClinVar variation 1361306 (VCV001361306.8), dbSNP rs1323264570, ClinGen allele CA403995771.

ClinVar aggregate classification (germline): Uncertain significance (1 of 4 stars; one submission).

Conditions:
Immunodeficiency 35 (IMD35). Also called: Susceptibility to infection due to TYK2 deficiency; TYK2 DEFICIENCY; HIES WITH ATYPICAL MYCOBACTERIOSIS, AUTOSOMAL RECESSIVE; HYPER-IgE SYNDROME WITH ATYPICAL MYCOBACTERIOSIS, AUTOSOMAL RECESSIVE. Identifiers: Orphanet 331226, MedGen C1969086, MONDO:0012682, OMIM 611521.

Allele frequency attached by ClinVar (database versions not stated): gnomAD exomes below 0.00001; TOPMed below 0.00001; gnomAD 0.00001.
gnomAD v4.1: 2 of 1,613,452 alleles (0.00012%); highest among the groups gnomAD compares: Non-Finnish European, 0.00017%; no homozygotes.

Submission:

Labcorp Genetics (formerly Invitae), Labcorp
Classification: Uncertain significance for Immunodeficiency 35. Last evaluated: 2022-02-05. Review status: criteria provided, single submitter. Criteria: Invitae Variant Classification Sherloc (09022015). Collection method: clinical testing. Allele origin: germline.
Comment: Algorithms developed to predict the effect of missense changes on protein structure and function output the following: SIFT: "Not Available"; PolyPhen-2: "Benign"; Align-GVGD: "Not Available". The glutamic acid amino acid residue is found in multiple mammalian species, which suggests that this missense change does not adversely affect protein function. This sequence change replaces glycine, which is neutral and non-polar, with glutamic acid, which is acidic and polar, at codon 787 of the TYK2 protein (p.Gly787Glu). This variant is not present in population databases (gnomAD no frequency). This variant has not been reported in the literature in individuals affected with TYK2-related conditions. In summary, the available evidence is currently insufficient to determine the role of this variant in disease. Therefore, it has been classified as a Variant of Uncertain Significance.